The following is an entry in ClinVar:

NM_001321759.2(CDIN1):c.281A>G (p.Tyr94Cys)

Gene: CDIN1 (CDAN1 interacting nuclease 1; plus strand). Cytogenetic location: 15q14.
Variant type: single nucleotide variant.
Coding change: c.281A>G on transcript NM_001321759.2 (MANE Select); coding-DNA position 281, A replaced by G.
Protein change: p.Tyr94Cys; replaces tyrosine 94 with cysteine.
Molecular consequence: missense variant. On other transcripts: 5 prime UTR variant (4).
Genome position (GRCh38, 1-based): chr15:36,657,840, A>G. VCF-style: chr15-36657840-A-G. GRCh37 (hg19) VCF-style: chr15-36950041-A-G.
Other names: C15ORF41, TYR94CYS; c.281A>G, p.Tyr94Cys (NM_001130010.3, NM_001290233.2, NM_001321760.2 and 1 more transcripts); c.-14A>G (NM_001290232.2, NM_001321756.2, NM_032499.6); c.-123A>G (NM_001321757.2); c.170A>G, p.Tyr57Cys (NM_001321758.2); short protein forms Y94C, Y57C.
Identifiers: ClinVar variation 97058 (VCV000097058.5), dbSNP rs587777101, ClinGen allele CA345443.

ClinVar aggregate classification (germline): Likely pathogenic. Review status: criteria provided, single submitter (1 of 4 stars). 3 submissions from 3 submitters: Likely pathogenic (1). 2 of the submissions do not count toward it. Last evaluated 2019-07-11.

Conditions:
Congenital dyserythropoietic anemia type type 1B (CDAN1B). Also called: C15ORF41-Related Congenital Dyserythropoietic Anemia; ANEMIA, CONGENITAL DYSERYTHROPOIETIC, TYPE Ib; CDA, TYPE Ib. Identifiers: Orphanet 98869, MedGen C3810185, MONDO:0014285, OMIM 615631.

Submissions (3):

SIB Swiss Institute of Bioinformatics
Classification: Likely pathogenic for Congenital dyserythropoietic anemia type type 1B. Last evaluated: 2019-07-11. Review status: criteria provided, single submitter. Criteria: ACMG Guidelines, 2015. Collection method: curation. Allele origin: unknown.
Comment: This variant is interpreted as a Likely pathogenic for congenital dyserythropoietic anemia type Ib, autosomal recessive. The following ACMG Tag(s) were applied: PM2; PM5; PP1; PM3.

OMIM
Classification: Pathogenic for ANEMIA, CONGENITAL DYSERYTHROPOIETIC, TYPE Ib. Last evaluated: 2013-09-01. Review status: no assertion criteria provided. Collection method: literature only. Allele origin: germline. Not counted in ClinVar's aggregate classification.

GeneReviews
No classification provided. Condition: Congenital dyserythropoietic anemia type type 1B. Review status: no classification provided. Collection method: literature only. Allele origin: germline. Affected: yes. Not counted in ClinVar's aggregate classification.

Literature cited by the submitters: PubMed 23716552 (cited by 3 submitters); PubMed 16643456 (cited by OMIM).